The following is an entry in ClinVar:

ClinVar aggregate classification (germline): Uncertain significance (1 of 4 stars; one submission).

Submission:

Laboratory for Molecular Medicine, Mass General Brigham Personalized Medicine
Classification: Uncertain significance. Last evaluated: 2018-06-12. Review status: criteria provided, single submitter. Criteria: LMM Criteria. Collection method: clinical testing. Allele origin: germline. Observed: 1 variant allele.
Comment: The p.Pro1604Arg variant in ALMS1 has not been previously reported in individual s with Alstrom syndrome or hearing loss, and was absent from large population st udies. Computational prediction tools and conservation analysis do not provide s trong support for or against an impact to the protein. In summary, the clinical significance of the p.Pro1604Arg variant is uncertain. ACMG/AMP Criteria applied : PM2.

NM_001378454.1(ALMS1):c.4808C>G (p.Pro1603Arg)

Gene: ALMS1 (ALMS1 centrosome and basal body associated protein; plus strand). Cytogenetic location: 2p13.1.
Variant type: single nucleotide variant.
Coding change: c.4808C>G on transcript NM_001378454.1 (MANE Select); coding-DNA position 4808, C replaced by G.
Protein change: p.Pro1603Arg; replaces proline 1603 with arginine.
Molecular consequence: missense variant.
Genome position (GRCh38, 1-based): chr2:73,451,335, C>G. VCF-style: chr2-73451335-C-G. GRCh37 (hg19) VCF-style: chr2-73678462-C-G.
Other names: c.4811C>G, p.Pro1604Arg (NM_015120.4); short protein forms P1604R, P1603R.
Identifiers: ClinVar variation 666795 (VCV000666795.4), dbSNP rs1572935792, ClinGen allele CA347279303.